The following is an entry in ClinVar:

NM_005068.3(SIM1):c.28C>T (p.Arg10Trp)

Gene: SIM1 (SIM bHLH transcription factor 1; minus strand). Cytogenetic location: 6q16.3.
Variant type: single nucleotide variant.
Coding change: c.28C>T on transcript NM_005068.3 (MANE Select); coding-DNA position 28, C replaced by T.
Protein change: p.Arg10Trp; replaces arginine 10 with tryptophan.
Molecular consequence: missense variant.
Genome position (GRCh38, 1-based): chr6:100,463,441, G>A on the plus strand (C>T on the coding strand, the complement: SIM1 is on the minus strand). VCF-style: chr6-100463441-G-A. GRCh37 (hg19) VCF-style: chr6-100911317-G-A.
Other names: c.28C>T, p.Arg10Trp (NM_001374769.1); short protein forms R10W.
Identifiers: ClinVar variation 3360211 (VCV003360211.1).

ClinVar aggregate classification (germline): Uncertain significance (1 of 4 stars; one submission).

Submission:

GeneDx
Classification: Uncertain significance. Last evaluated: 2023-06-26. Review status: criteria provided, single submitter. Criteria: GeneDx Variant Classification Process June 2021. Collection method: clinical testing. Allele origin: germline. Affected: yes.
Comment: Not observed at significant frequency in large population cohorts (gnomAD); In silico analysis supports that this missense variant has a deleterious effect on protein structure/function; Has not been previously published as pathogenic or benign to our knowledge